The following is an entry in ClinVar:

ClinVar aggregate classification (germline): Likely benign (1 of 4 stars; one submission).

Allele frequency attached by ClinVar (database versions not stated): ExAC 0.00052; 1000 Genomes Project 30x 0.00078; gnomAD exomes 0.00018; gnomAD 0.00174; 1000 Genomes Project 0.00040; TOPMed 0.00226.
gnomAD v4.1: 366 of 672,104 alleles (0.054%); highest among the groups gnomAD compares: African/African-American, 0.57%; 4 homozygotes.

Submission:

CeGaT Center for Human Genetics Tuebingen
Classification: Likely benign. Last evaluated: 2023-03-01. Review status: criteria provided, single submitter. Criteria: CeGaT Center For Human Genetics Tuebingen Variant Classification Criteria Version 2. Collection method: clinical testing. Allele origin: germline. Affected: yes. Observed: 1 variant allele.
Comment: AAMDC: BS2; INTS4: BS2

NM_033547.4(INTS4):c.2228+851C>T

Genes: AAMDC (adipogenesis associated Mth938 domain containing; plus strand), INTS4 (integrator complex subunit 4; minus strand). Cytogenetic location: 11q14.1.
Variant type: single nucleotide variant.
Coding change: c.2228+851C>T on transcript NM_033547.4 (MANE Select); 851 bases into the intron after coding-DNA position 2228, C replaced by T.
Molecular consequence: intron variant. On other transcripts: splice acceptor variant (4).
Genome position (GRCh38, 1-based): chr11:77,900,570, G>A on the plus strand (C>T on the coding strand, the complement: INTS4 is on the minus strand). VCF-style: chr11-77900570-G-A. GRCh37 (hg19) VCF-style: chr11-77611616-G-A.
Other names: c.384-1G>A (NM_001316958.3, NM_001392034.1); c.329-1G>A (NM_001316957.3); c.229-1G>A (NM_001392068.1).
Identifiers: ClinVar variation 2642194 (VCV002642194.22), dbSNP rs377187803, ClinGen allele CA6201911.